The following is an entry in ClinVar:

NM_002661.5(PLCG2):c.385T>G (p.Leu129Val)

Gene: PLCG2 (phospholipase C gamma 2; plus strand). Cytogenetic location: 16q23.3.
Variant type: single nucleotide variant.
Coding change: c.385T>G on transcript NM_002661.5 (MANE Select); coding-DNA position 385, T replaced by G.
Protein change: p.Leu129Val; replaces leucine 129 with valine.
Molecular consequence: missense variant.
Genome position (GRCh38, 1-based): chr16:81,858,310, T>G. VCF-style: chr16-81858310-T-G. GRCh37 (hg19) VCF-style: chr16-81891915-T-G.
Other names: short protein forms L129V.
Identifiers: ClinVar variation 954541 (VCV000954541.1), dbSNP rs866421259, ClinGen allele CA285173456.
Genomic context (GRCh38, chr16:81,858,310, plus strand): 5'-TTCTCCACTCCAGCTGACTCTAAAGAGGATGCAGTTAACTGGCTCTCTGGCTTGAAAATC[T>G]TACACCAGGAAGCGATGAATGCGTCCACGCCCACCATTATCGAGAGGTAGTTGGCTTTTG-3'
Protein context (NP_002652.2, residues 119-139): AVNWLSGLKI[Leu129Val]HQEAMNASTP

ClinVar aggregate classification (germline): Uncertain significance (1 of 4 stars; one submission).

Conditions:
Familial cold autoinflammatory syndrome 3 (FCAS3). Also called: ANTIBODY DEFICIENCY AND IMMUNE DYSREGULATION, PLCG2-ASSOCIATED; FAMILIAL ATYPICAL COLD URTICARIA. Identifiers: Orphanet 300359, MedGen C3280914, MONDO:0013766, OMIM 614468.

Submission:

Labcorp Genetics (formerly Invitae), Labcorp
Classification: Uncertain significance for Familial cold autoinflammatory syndrome 3. Last evaluated: 2019-09-01. Review status: criteria provided, single submitter. Criteria: Invitae Variant Classification Sherloc (09022015). Collection method: clinical testing. Allele origin: germline.
Comment: This sequence change replaces leucine with valine at codon 129 of the PLCG2 protein (p.Leu129Val). The leucine residue is moderately conserved and there is a small physicochemical difference between leucine and valine. This variant is not present in population databases (ExAC no frequency). This variant has not been reported in the literature in individuals with PLCG2-related conditions. Algorithms developed to predict the effect of missense changes on protein structure and function are either unavailable or do not agree on the potential impact of this missense change (SIFT: "Tolerated"; PolyPhen-2: "Probably Damaging"; Align-GVGD: "Class C0"). In summary, the available evidence is currently insufficient to determine the role of this variant in disease. Therefore, it has been classified as a Variant of Uncertain Significance.